The following is an entry in ClinVar:

NM_006985.4(NPIPA1):c.805T>C (p.Cys269Arg)

Gene: NPIPA1 (nuclear pore complex interacting protein family member A1; plus strand). Cytogenetic location: 16p13.11.
Variant type: single nucleotide variant.
Coding change: c.805T>C on transcript NM_006985.4 (MANE Select); coding-DNA position 805, T replaced by C.
Protein change: p.Cys269Arg; replaces cysteine 269 with arginine.
Molecular consequence: missense variant. On other transcripts: non-coding transcript variant (1).
Genome position (GRCh38, 1-based): chr16:14,951,777, T>C. VCF-style: chr16-14951777-T-C. GRCh37 (hg19) VCF-style: chr16-15045634-T-C.
Other names: short protein forms C269R.
Identifiers: ClinVar variation 2646244 (VCV002646244.24), dbSNP rs146043318, ClinGen allele CA7914457.
Genomic context (GRCh38, chr16:14,951,777, plus strand): 5'-CCTCCAACTCAACAACATTCTATAATTGATAACTCCCTGAGCCTCAAGACACCTTCCGAG[T>C]GTCTGCTCACTCCCCTTCCACCCTCAGCTCTACCCTCAGCGGATGATAATCTCAAGACAC-3'
Protein context (NP_008916.2, residues 259-279): NSLSLKTPSE[Cys269Arg]LLTPLPPSAL

ClinVar aggregate classification (germline): Likely benign (1 of 4 stars; one submission).

Allele frequency attached by ClinVar (database versions not stated): gnomAD 0.00198.

Submission:

CeGaT Center for Human Genetics Tuebingen
Classification: Likely benign. Last evaluated: 2022-07-01. Review status: criteria provided, single submitter. Criteria: CeGaT Center For Human Genetics Tuebingen Variant Classification Criteria Version 2. Collection method: clinical testing. Allele origin: germline. Affected: yes. Observed: 1 variant allele.
Comment: NPIPA1: BP4, BS2